The following is an entry in ClinVar:

NM_001007527.2(LMBRD2):c.922A>G (p.Lys308Glu)

Gene: LMBRD2 (LMBR1 domain containing 2; minus strand). Cytogenetic location: 5p13.2.
Variant type: single nucleotide variant.
Coding change: c.922A>G on transcript NM_001007527.2 (MANE Select); coding-DNA position 922, A replaced by G.
Protein change: p.Lys308Glu; replaces lysine 308 with glutamic acid.
Molecular consequence: missense variant.
Genome position (GRCh38, 1-based): chr5:36,122,862, T>C on the plus strand (A>G on the coding strand, the complement: LMBRD2 is on the minus strand). VCF-style: chr5-36122862-T-C. GRCh37 (hg19) VCF-style: chr5-36122964-T-C.
Other names: short protein forms K308E.
Identifiers: ClinVar variation 5009820 (VCV005009820.1).

ClinVar aggregate classification (germline): Uncertain significance (1 of 4 stars; one submission).

Submission:

GeneDx
Classification: Uncertain significance. Last evaluated: 2026-03-05. Review status: criteria provided, single submitter. Criteria: GeneDx Variant Classification Process June 2021. Collection method: clinical testing. Allele origin: germline.
Comment: Not observed at significant frequency in large population cohorts (gnomAD); In silico analysis suggests that this missense variant does not alter protein structure/function; Has not been previously published as pathogenic or benign to our knowledge